The following is an entry in ClinVar:

NM_001032283.3(TMPO):c.991-12_991-11del

Gene: TMPO (thymopoietin; plus strand). Cytogenetic location: 12q23.1.
Variant type: Deletion.
Coding change: c.991-12_991-11del on transcript NM_001032283.3 (MANE Select); 12 bases into the intron before coding-DNA position 991 through 11 bases into the intron before coding-DNA position 991, 2 bases deleted (GT; older notation c.991-12_991-11delGT).
Molecular consequence: intron variant.
Genome position (GRCh38, 1-based): chr12:98,546,347-98,546,348, GT deleted; deleting any 2 consecutive bases within chr12:98,546,346-98,546,348 gives the same sequence; the c. name uses the placement nearest the transcript's 3' end. VCF-style (leftmost placement, unchanged base first): chr12-98546345-CTG-C. GRCh37 (hg19) VCF-style: chr12-98940123-CTG-C.
Other names: c.871-12_871-11del (NM_001307975.2); c.664-12_664-11del (NM_001032284.3).
Identifiers: ClinVar variation 1205816 (VCV001205816.5), dbSNP rs759630477, ClinGen allele CA6732682.

ClinVar aggregate classification (germline): Likely benign (1 of 4 stars; one submission).

Submission:

GeneDx
Classification: Likely benign. Last evaluated: 2023-02-09. Review status: criteria provided, single submitter. Criteria: GeneDx Variant Classification Process June 2021. Collection method: clinical testing. Allele origin: germline. Affected: yes.
Comment: See Variant Classification Assertion Criteria.